The following is an entry in ClinVar:

ClinVar aggregate classification (germline): Likely benign (1 of 4 stars; one submission).

gnomAD v4.1: 3 of 1,614,070 alleles (0.00019%); highest among the groups gnomAD compares: Non-Finnish European, 0.00025%; no homozygotes.

Submission:

CeGaT Center for Human Genetics Tuebingen
Classification: Likely benign. Last evaluated: 2026-08-01. Review status: criteria provided, single submitter. Criteria: CeGaT Center For Human Genetics Tuebingen Variant Classification Criteria Version 2. Collection method: clinical testing. Allele origin: germline. Affected: yes. Observed: 1 variant allele.
Comment: DSG2: BP4, BP7

NM_001943.5(DSG2):c.1104C>T (p.Tyr368=)

Gene: DSG2 (desmoglein 2; plus strand). Cytogenetic location: 18q12.1.
Variant type: single nucleotide variant.
Coding change: c.1104C>T on transcript NM_001943.5 (MANE Select); coding-DNA position 1104, C replaced by T.
Protein change: p.Tyr368=; no amino-acid change (tyrosine 368 retained).
Molecular consequence: synonymous variant.
Genome position (GRCh38, 1-based): chr18:31,531,076, C>T. VCF-style: chr18-31531076-C-T. GRCh37 (hg19) VCF-style: chr18-29111039-C-T.
Identifiers: ClinVar variation 5039225 (VCV005039225.1).